The following is an entry in ClinVar:

NR_033294.2(SNORD118):n.19C>T

Genes: SNORD118 (small nucleolar RNA, C/D box 118; minus strand), TMEM107 (transmembrane protein 107; minus strand). Cytogenetic location: 17p13.1.
Variant type: single nucleotide variant.
Molecular consequence: non-coding transcript variant (on NR_033294.2). On other transcripts: 3 prime UTR variant (5).
Genome position: GRCh38 VCF-style: chr17-8173570-G-A. GRCh37 (hg19) VCF-style: chr17-8076888-G-A.
Other names: c.*633C>T (NM_001351278.2, NM_001351279.2, NM_001351280.2 and 3 more transcripts).
Identifiers: ClinVar variation 1900197 (VCV001900197.5), dbSNP rs374791151, ClinGen allele CA8370813.

ClinVar aggregate classification (germline): Uncertain significance. Review status: criteria provided, multiple submitters, no conflicts (2 of 4 stars). 3 submissions from 3 submitters: Uncertain significance (2). 1 of the submissions does not count toward it. Last evaluated 2022-07-27.

Conditions:
TMEM107-related disorder. Also called: TMEM107-related condition.

Allele frequency attached by ClinVar (database versions not stated): ESP Exome Variant Server 0.00035.
gnomAD v4.1: 145 of 764,862 alleles (0.019%); highest among the groups gnomAD compares: Admixed American, 0.068%; no homozygotes.

Submissions (3):

Blueprint Genetics
Classification: Uncertain significance. Last evaluated: 2022-07-27. Review status: criteria provided, single submitter. Criteria: ACMG Guidelines, 2015. Collection method: clinical testing. Allele origin: germline.

Labcorp Genetics (formerly Invitae), Labcorp
Classification: Uncertain significance. Last evaluated: 2021-12-31. Review status: criteria provided, single submitter. Criteria: Invitae Variant Classification Sherloc (09022015). Collection method: clinical testing. Allele origin: germline.
Comment: This variant occurs in the SNORD118 gene, which encodes an RNA molecule that does not result in a protein product. This variant is present in population databases (rs374791151, gnomAD 0.09%). This variant has not been reported in the literature in individuals affected with SNORD118-related conditions. Experimental studies and prediction algorithms are not available or were not evaluated, and the functional significance of this variant is currently unknown. In summary, the available evidence is currently insufficient to determine the role of this variant in disease. Therefore, it has been classified as a Variant of Uncertain Significance.

PreventionGenetics, part of Exact Sciences
Classification: Likely benign for TMEM107-related condition. Last evaluated: 2021-03-11. Review status: no assertion criteria provided. Collection method: clinical testing. Allele origin: germline. Not counted in ClinVar's aggregate classification.
Comment: This variant is classified as likely benign based on ACMG/AMP sequence variant interpretation guidelines (Richards et al. 2015 PMID: 25741868, with internal and published modifications).